The following is an entry in ClinVar:

ClinVar aggregate classification (germline): Uncertain significance (1 of 4 stars; one submission).

gnomAD v4.1: 2 of 1,614,232 alleles (0.00012%); highest among the groups gnomAD compares: Non-Finnish European, 0.00017%; no homozygotes.

Submission:

Labcorp Genetics (formerly Invitae), Labcorp
Classification: Uncertain significance. Last evaluated: 2025-02-25. Review status: criteria provided, single submitter. Criteria: Invitae Variant Classification Sherloc (09022015). Collection method: clinical testing. Allele origin: germline.
Comment: This sequence change replaces arginine, which is basic and polar, with lysine, which is basic and polar, at codon 410 of the ACOX2 protein (p.Arg410Lys). This variant is present in population databases (rs781551808, gnomAD 0.0009%). This variant has not been reported in the literature in individuals affected with ACOX2-related conditions. Invitae Evidence Modeling of protein sequence and biophysical properties (such as structural, functional, and spatial information, amino acid conservation, physicochemical variation, residue mobility, and thermodynamic stability) indicates that this missense variant is not expected to disrupt ACOX2 protein function with a negative predictive value of 80%. In summary, the available evidence is currently insufficient to determine the role of this variant in disease. Therefore, it has been classified as a Variant of Uncertain Significance.

NM_003500.4(ACOX2):c.1229G>A (p.Arg410Lys)

Gene: ACOX2 (acyl-CoA oxidase 2; minus strand). Cytogenetic location: 3p14.3.
Variant type: single nucleotide variant.
Coding change: c.1229G>A on transcript NM_003500.4 (MANE Select); coding-DNA position 1229, G replaced by A.
Protein change: p.Arg410Lys; replaces arginine 410 with lysine.
Molecular consequence: missense variant.
Genome position (GRCh38, 1-based): chr3:58,526,583, C>T on the plus strand (G>A on the coding strand, the complement: ACOX2 is on the minus strand). VCF-style: chr3-58526583-C-T. GRCh37 (hg19) VCF-style: chr3-58512310-C-T.
Other names: short protein forms R410K.
Identifiers: ClinVar variation 4728200 (VCV004728200.1).
Genomic context (GRCh38, chr3:58,526,583, plus strand): 5'-AATTTGGTGACCAGTGATGGCAGGCCACTCAGCTTTGAGTAGCCATGTCCGCCACAGGCC[C>T]TGCGGCACATCTCAGCTCCCTGGGTGCAGAATTCTGACATCATGGCCTTCATGCCCGTGC-3'
Protein context (NP_003491.1, residues 400-420): FCTQGAEMCR[Arg410Lys]ACGGHGYSKL